The following is an entry in ClinVar:

ClinVar aggregate classification (germline): Pathogenic (1 of 4 stars; one submission).

Conditions:
Neuronal ceroid lipofuscinosis. Also called: Neuronal Ceroid Lipofuscinoses. Identifiers: Orphanet 216, Orphanet 79263, MedGen C0027877, MONDO:0016295. Disease mechanism: loss of function.

Submission:

Labcorp Genetics (formerly Invitae), Labcorp
Classification: Pathogenic for Neuronal ceroid lipofuscinosis. Last evaluated: 2020-05-11. Review status: criteria provided, single submitter. Criteria: Invitae Variant Classification Sherloc (09022015). Collection method: clinical testing. Allele origin: germline.
Comment: For these reasons, this variant has been classified as Pathogenic. This variant disrupts the C-terminus of the CLN5 protein. Other variant(s) that disrupt this region (p.Tyr392*) have been determined to be pathogenic (PMID:9662406, 20052765, 11971870, 24058541, 24038957). This suggests that variants that disrupt this region of the protein are likely to be causative of disease. This variant has not been reported in the literature in individuals with CLN5-related conditions. This variant is not present in population databases (ExAC no frequency). This sequence change results in a premature translational stop signal in the CLN5 gene (p.Phe325Trpfs*26). While this is not anticipated to result in nonsense mediated decay, it is expected to disrupt the last 83 amino acids of the CLN5 protein.

Literature cited by the submitters: PubMed 9662406; PubMed 20052765; PubMed 11971870; PubMed 24058541; PubMed 24038957.

NM_006493.4(CLN5):c.827_828del (p.Phe276fs)

Gene: CLN5 (CLN5 lysosomal BMP synthase; plus strand). Cytogenetic location: 13q22.3.
Variant type: Deletion.
Coding change: c.827_828del on transcript NM_006493.4 (MANE Select); coding-DNA positions 827 to 828, 2 bases deleted (TT; older notation c.827_828delTT).
Protein change: p.Phe276fs; shifts the reading frame from phenylalanine 276.
Molecular consequence: frameshift variant. On other transcripts: 3 prime UTR variant (1).
Genome position (GRCh38, 1-based): chr13:77,000,719-77,000,720, TT deleted; deleting any 2 consecutive bases within chr13:77,000,716-77,000,720 gives the same sequence; the c. name uses the placement nearest the transcript's 3' end. VCF-style (leftmost placement, unchanged base first): chr13-77000715-GTT-G. GRCh37 (hg19) VCF-style: chr13-77574850-GTT-G.
Other names: c.*276_*277del (NM_001366624.2); short protein forms F276fs.
Identifiers: ClinVar variation 1071340 (VCV001071340.9), dbSNP rs2154035166, ClinGen allele CA2499222511.